The following is an entry in ClinVar:

ClinVar aggregate classification (germline): Uncertain significance (1 of 4 stars; one submission).

gnomAD v4.1: 6 of 1,613,866 alleles (0.00037%); highest among the groups gnomAD compares: South Asian, 0.0066%; no homozygotes.

Submission:

Labcorp Genetics (formerly Invitae), Labcorp
Classification: Uncertain significance. Last evaluated: 2026-01-21. Review status: criteria provided, single submitter. Criteria: Invitae Variant Classification Sherloc (09022015). Collection method: clinical testing. Allele origin: germline.
Comment: This sequence change replaces isoleucine, which is neutral and non-polar, with phenylalanine, which is neutral and non-polar, at codon 2622 of the VCAN protein (p.Ile2622Phe). This variant is not present in population databases (gnomAD no frequency). This variant has not been reported in the literature in individuals affected with VCAN-related conditions. An algorithm developed to predict the effect of missense changes on protein structure and function (PolyPhen-2) suggests that this variant is likely to be tolerated. In summary, the available evidence is currently insufficient to determine the role of this variant in disease. Therefore, it has been classified as a Variant of Uncertain Significance.

NM_004385.5(VCAN):c.7864A>T (p.Ile2622Phe)

Genes: VCAN (versican; plus strand), VCAN-AS1 (VCAN antisense RNA 1; minus strand). Cytogenetic location: 5q14.3.
Variant type: single nucleotide variant.
Coding change: c.7864A>T on transcript NM_004385.5 (MANE Select); coding-DNA position 7864, A replaced by T.
Protein change: p.Ile2622Phe; replaces isoleucine 2622 with phenylalanine.
Molecular consequence: missense variant. On other transcripts: intron variant (2).
Genome position (GRCh38, 1-based): chr5:83,540,867, A>T. VCF-style: chr5-83540867-A-T. GRCh37 (hg19) VCF-style: chr5-82836686-A-T.
Other names: c.4903A>T, p.Ile1635Phe (NM_001164097.2); c.4004-4670A>T (NM_001164098.2); c.1043-4670A>T (NM_001126336.3); short protein forms I1635F, I2622F.
Identifiers: ClinVar variation 4764337 (VCV004764337.1).
Genomic context (GRCh38, chr5:83,540,867, plus strand): 5'-CCATCAGAACCACATGACAGTAATGATGAAAGTAATGATGACAGCACTCAAGTTCAAGAG[A>T]TCTATGAGGCAGCTGTCAACCTTTCTTTAACTGAGGAAACATTTGAGGGCTCTGCTGATG-3'
Protein context (NP_004376.2, residues 2612-2632): SNDDSTQVQE[Ile2622Phe]YEAAVNLSLT